The following is an entry in ClinVar:

NM_001903.5(CTNNA1):c.277G>A (p.Ala93Thr)

Gene: CTNNA1 (catenin alpha 1; plus strand). Cytogenetic location: 5q31.2.
Variant type: single nucleotide variant.
Coding change: c.277G>A on transcript NM_001903.5 (MANE Select); coding-DNA position 277, G replaced by A.
Protein change: p.Ala93Thr; replaces alanine 93 with threonine.
Molecular consequence: missense variant. On other transcripts: intron variant (2).
Genome position (GRCh38, 1-based): chr5:138,783,348, G>A. VCF-style: chr5-138783348-G-A. GRCh37 (hg19) VCF-style: chr5-138119037-G-A.
Other names: c.277G>A (NM_001903.2); c.277G>A, p.Ala93Thr (NM_001290307.3, NM_001323982.2, NM_001323983.1 and 3 more transcripts); c.-6+76G>A (NM_001290310.3); c.-9+1319G>A (NM_001290309.3); short protein forms A93T.
Identifiers: ClinVar variation 948179 (VCV000948179.11), dbSNP rs1483366405, ClinGen allele CA361477672.

ClinVar aggregate classification (germline): Uncertain significance. Review status: criteria provided, multiple submitters, no conflicts (2 of 4 stars). 3 submissions from 3 submitters: Uncertain significance (3). Last evaluated 2025-06-10.

Conditions:
Hereditary cancer-predisposing syndrome. Also called: Hereditary neoplastic syndrome; Neoplastic Syndromes, Hereditary; Tumor predisposition; Hereditary Cancer Syndrome. Identifiers: Orphanet 140162, MedGen C0027672, MeSH D009386, MONDO:0015356.

Allele frequency attached by ClinVar (database versions not stated): gnomAD exomes below 0.00001.

Submissions (3):

Ambry Genetics
Classification: Uncertain significance for Hereditary cancer-predisposing syndrome. Last evaluated: 2025-06-10. Review status: criteria provided, single submitter. Criteria: Ambry Variant Classification Scheme 2023. Collection method: clinical testing. Allele origin: germline.
Comment: The p.A93T variant (also known as c.277G>A), located in coding exon 2 of the CTNNA1 gene, results from a G to A substitution at nucleotide position 277. The alanine at codon 93 is replaced by threonine, an amino acid with similar properties. This amino acid position is highly conserved in available vertebrate species. In addition, this alteration is predicted to be deleterious by in silico analysis. Based on the available evidence, the clinical significance of this variant remains unclear.

GeneDx
Classification: Uncertain significance. Last evaluated: 2025-05-02. Review status: criteria provided, single submitter. Criteria: GeneDx Variant Classification Process June 2021. Collection method: clinical testing. Allele origin: germline. Affected: yes.
Comment: Not observed at significant frequency in large population cohorts (gnomAD); In silico analysis supports that this missense variant has a deleterious effect on protein structure/function; Has not been previously published as pathogenic or benign to our knowledge; This variant is associated with the following publications: (PMID: 32051609)

Labcorp Genetics (formerly Invitae), Labcorp
Classification: Uncertain significance. Last evaluated: 2024-02-22. Review status: criteria provided, single submitter. Criteria: Invitae Variant Classification Sherloc (09022015). Collection method: clinical testing. Allele origin: germline.
Comment: This sequence change replaces alanine, which is neutral and non-polar, with threonine, which is neutral and polar, at codon 93 of the CTNNA1 protein (p.Ala93Thr). The frequency data for this variant in the population databases is considered unreliable, as metrics indicate poor data quality at this position in the gnomAD database. This variant has not been reported in the literature in individuals affected with CTNNA1-related conditions. ClinVar contains an entry for this variant (Variation ID: 948179). Advanced modeling of protein sequence and biophysical properties (such as structural, functional, and spatial information, amino acid conservation, physicochemical variation, residue mobility, and thermodynamic stability) performed at Invitae indicates that this missense variant is not expected to disrupt CTNNA1 protein function with a negative predictive value of 80%. In summary, the available evidence is currently insufficient to determine the role of this variant in disease. Therefore, it has been classified as a Variant of Uncertain Significance.